The following is an entry in ClinVar:

NM_032444.4(SLX4):c.2193C>T (p.Asp731=)

Gene: SLX4 (SLX4 structure-specific endonuclease subunit; minus strand). Cytogenetic location: 16p13.3.
Variant type: single nucleotide variant.
Coding change: c.2193C>T on transcript NM_032444.4 (MANE Select); coding-DNA position 2193, C replaced by T.
Protein change: p.Asp731=; no amino-acid change (aspartic acid 731 retained).
Molecular consequence: synonymous variant.
Genome position (GRCh38, 1-based): chr16:3,592,833, G>A on the plus strand (C>T on the coding strand, the complement: SLX4 is on the minus strand). VCF-style: chr16-3592833-G-A. GRCh37 (hg19) VCF-style: chr16-3642834-G-A.
Other names: c.2193C>T (NM_032444.3, LRG_503t1).
Identifiers: ClinVar variation 220761 (VCV000220761.25), dbSNP rs551541558, ClinGen allele CA348059.
Genomic context (GRCh38, chr16:3,592,833, plus strand): 5'-GAACGTGCGGGCGGCCTCGGTGCTCACGTCACCCAGCAGGACACGCTGGGTCAGAACCCC[G>A]TCCTCTACAGCGGAGAAGCCTTCATTGTTCACCTGCAGGTGAAATGCAACACAGAGGGTT-3'
Protein context (NP_115820.2, residues 721-741): VNNEGFSAVE[Asp731=]GVLTQRVLLG

ClinVar aggregate classification (germline): Likely benign. Review status: criteria provided, multiple submitters, no conflicts (2 of 4 stars). 3 submissions from 3 submitters: Likely benign (2). 1 of the submissions does not count toward it. Last evaluated 2025-12-15.

Conditions:
SLX4-related disorder. Also called: SLX4-related condition.
Fanconi anemia (FA). Also called: Fanconi's anemia. Identifiers: Orphanet 84, MedGen C0015625, MeSH D005199, MONDO:0019391.

Allele frequency attached by ClinVar (database versions not stated): gnomAD 0.00001; gnomAD exomes 0.00002 and 0.00004; TOPMed 0.00002; ExAC 0.00005; 1000 Genomes Project 30x 0.00016; 1000 Genomes Project 0.00020.
gnomAD v4.1: 31 of 1,612,166 alleles (0.0019%); highest among the groups gnomAD compares: African/African-American, 0.0053%; no homozygotes.

Submissions (3):

Labcorp Genetics (formerly Invitae), Labcorp
Classification: Likely benign for Fanconi anemia. Last evaluated: 2025-12-15. Review status: criteria provided, single submitter. Criteria: Invitae Variant Classification Sherloc (09022015). Collection method: clinical testing. Allele origin: germline.

CeGaT Center for Human Genetics Tuebingen
Classification: Likely benign. Last evaluated: 2025-03-01. Review status: criteria provided, single submitter. Criteria: CeGaT Center For Human Genetics Tuebingen Variant Classification Criteria Version 2. Collection method: clinical testing. Allele origin: germline. Affected: yes. Observed: 2 variant alleles.
Comment: SLX4: BP4, BP7

PreventionGenetics, part of Exact Sciences
Classification: Likely benign for SLX4-related condition. Last evaluated: 2023-01-26. Review status: no assertion criteria provided. Collection method: clinical testing. Allele origin: germline. Not counted in ClinVar's aggregate classification.
Comment: This variant is classified as likely benign based on ACMG/AMP sequence variant interpretation guidelines (Richards et al. 2015 PMID: 25741868, with internal and published modifications).